The following is an entry in ClinVar:

NM_001429.4(EP300):c.4723A>G (p.Asn1575Asp)

Gene: EP300 (EP300 lysine acetyltransferase; plus strand). Cytogenetic location: 22q13.2.
Variant type: single nucleotide variant.
Coding change: c.4723A>G on transcript NM_001429.4 (MANE Select); coding-DNA position 4723, A replaced by G.
Protein change: p.Asn1575Asp; replaces asparagine 1575 with aspartic acid.
Molecular consequence: missense variant.
Genome position (GRCh38, 1-based): chr22:41,173,728, A>G. VCF-style: chr22-41173728-A-G. GRCh37 (hg19) VCF-style: chr22-41569732-A-G.
Other names: c.4645A>G, p.Asn1549Asp (NM_001362843.2); short protein forms N1549D, N1575D.
Identifiers: ClinVar variation 2749764 (VCV002749764.3), dbSNP rs2059184127, ClinGen allele CA411705273.

ClinVar aggregate classification (germline): Uncertain significance (1 of 4 stars; one submission).

Conditions:
Rubinstein-Taybi syndrome due to EP300 haploinsufficiency. Also called: EP300-Related Rubinstein-Taybi Syndrome; RUBINSTEIN-TAYBI SYNDROME 2. Identifiers: Orphanet 353284, Orphanet 783, MedGen C3150941, MONDO:0013364, OMIM 613684.

Allele frequency attached by ClinVar (database versions not stated): TOPMed below 0.00001.

Submission:

Labcorp Genetics (formerly Invitae), Labcorp
Classification: Uncertain significance for Rubinstein-Taybi syndrome due to EP300 haploinsufficiency. Last evaluated: 2023-08-03. Review status: criteria provided, single submitter. Criteria: Invitae Variant Classification Sherloc (09022015). Collection method: clinical testing. Allele origin: germline.
Comment: This sequence change replaces asparagine, which is neutral and polar, with aspartic acid, which is acidic and polar, at codon 1575 of the EP300 protein (p.Asn1575Asp). This variant is not present in population databases (gnomAD no frequency). This variant has not been reported in the literature in individuals affected with EP300-related conditions. Advanced modeling of protein sequence and biophysical properties (such as structural, functional, and spatial information, amino acid conservation, physicochemical variation, residue mobility, and thermodynamic stability) has been performed at Invitae for this missense variant, however the output from this modeling did not meet the statistical confidence thresholds required to predict the impact of this variant on EP300 protein function. In summary, the available evidence is currently insufficient to determine the role of this variant in disease. Therefore, it has been classified as a Variant of Uncertain Significance.